The following is an entry in ClinVar:

NM_013447.4(ADGRE2):c.1789-2A>G

Gene: ADGRE2 (adhesion G protein-coupled receptor E2; minus strand). Cytogenetic location: 19p13.12.
Variant type: single nucleotide variant.
Coding change: c.1789-2A>G on transcript NM_013447.4 (MANE Select); the canonical splice acceptor site of the intron before coding-DNA position 1789, A replaced by G.
Molecular consequence: splice acceptor variant.
Genome position (GRCh38, 1-based): chr19:14,751,673, T>C on the plus strand (A>G on the coding strand, the complement: ADGRE2 is on the minus strand). VCF-style: chr19-14751673-T-C. GRCh37 (hg19) VCF-style: chr19-14862485-T-C.
Other names: c.1510-2A>G (NM_152917.2); c.1642-2A>G (NM_152916.2); c.1615-2A>G (NM_001271052.1).
Identifiers: ClinVar variation 2786591 (VCV002786591.3), dbSNP rs1359679954, ClinGen allele CA404453187.

ClinVar aggregate classification (germline): Uncertain significance (1 of 4 stars; one submission).

Allele frequency attached by ClinVar (database versions not stated): gnomAD exomes below 0.00001; TOPMed below 0.00001; gnomAD 0.00001.
gnomAD v4.1: 3 of 1,611,886 alleles (0.00019%); highest among the groups gnomAD compares: Non-Finnish European, 0.00025%; no homozygotes.

Submission:

Labcorp Genetics (formerly Invitae), Labcorp
Classification: Uncertain significance. Last evaluated: 2023-06-15. Review status: criteria provided, single submitter. Criteria: Invitae Variant Classification Sherloc (09022015). Collection method: clinical testing. Allele origin: germline.
Comment: This variant is not present in population databases (gnomAD no frequency). In summary, the available evidence is currently insufficient to determine the role of this variant in disease. Therefore, it has been classified as a Variant of Uncertain Significance. Algorithms developed to predict the effect of sequence changes on RNA splicing suggest that this variant may disrupt the consensus splice site. This variant has not been reported in the literature in individuals affected with ADGRE2-related conditions. This sequence change affects an acceptor splice site in intron 15 of the ADGRE2 gene. It is expected to disrupt RNA splicing. Variants that disrupt the donor or acceptor splice site typically lead to a loss of protein function (PMID: 16199547), however the current clinical and genetic evidence is not sufficient to establish whether loss-of-function variants in ADGRE2 cause disease.

Literature cited by the submitters: PubMed 16199547.